The following is an entry in ClinVar:

ClinVar aggregate classification (germline): Pathogenic (1 of 4 stars; one submission).

Conditions:
Rhabdoid tumor predisposition syndrome 2 (RTPS2). Identifiers: Orphanet 231108, Orphanet 69077, MedGen C2750074, MONDO:0013224, OMIM 613325.

Submission:

Labcorp Genetics (formerly Invitae), Labcorp
Classification: Pathogenic for Rhabdoid tumor predisposition syndrome 2. Last evaluated: 2020-08-14. Review status: criteria provided, single submitter. Criteria: Invitae Variant Classification Sherloc (09022015). Collection method: clinical testing. Allele origin: germline.
Comment: Loss-of-function variants in SMARCA4 are known to be pathogenic (PMID: 24658001, 24658002). This variant has not been reported in the literature in individuals with SMARCA4-related conditions. This variant is not present in population databases (ExAC no frequency). This sequence change creates a premature translational stop signal (p.Lys1044Argfs*62) in the SMARCA4 gene. It is expected to result in an absent or disrupted protein product. For these reasons, this variant has been classified as Pathogenic.

Literature cited by the submitters: PubMed 24658001; PubMed 24658002.

NM_003072.5(SMARCA4):c.3129del (p.Lys1044fs)

Gene: SMARCA4 (SWI/SNF related BAF chromatin remodeling complex subunit ATPase 4; plus strand). Cytogenetic location: 19p13.2.
Variant type: Deletion.
Coding change: c.3129del on transcript NM_003072.5 (MANE Select); coding-DNA position 3129, one base deleted (G; older notation c.3129delG).
Protein change: p.Lys1044fs; shifts the reading frame from lysine 1044.
Molecular consequence: frameshift variant. On other transcripts: non-coding transcript variant (1).
Genome position (GRCh38, 1-based): chr19:11,025,469, G deleted; the last of 2 consecutive G bases (chr19:11,025,468-11,025,469); deleting either gives the same sequence. VCF-style (leftmost placement, unchanged base first): chr19-11025467-CG-C. GRCh37 (hg19) VCF-style: chr19-11136143-CG-C.
Other names: c.3129del, p.Lys1044fs (NM_001128844.3, NM_001128845.2, NM_001128846.2 and 5 more transcripts); short protein forms K1044fs.
Identifiers: ClinVar variation 1072497 (VCV001072497.7), dbSNP rs2146497558, ClinGen allele CA2499225287.
Genomic context (GRCh38, chr19:11,025,467, plus strand): 5'-TCATCTGCCTTCCAGGGCAAAGGCGGCACCAAGACCCTGATGAACACCATCATGCAGCTG[CG>C]GAAGATCTGCAACCACCCCTACATGTTCCAGCACATCGAGGTGAGCCCGCCGCGGCTGGG-3'